The following is an entry in ClinVar:

NM_007078.3(LDB3):c.934G>A (p.Ala312Thr)

Gene: LDB3 (LIM domain binding 3; plus strand). Cytogenetic location: 10q23.2.
Variant type: single nucleotide variant.
Coding change: c.934G>A on transcript NM_007078.3 (MANE Select); coding-DNA position 934, G replaced by A.
Protein change: p.Ala312Thr; replaces alanine 312 with threonine.
Molecular consequence: missense variant. On other transcripts: intron variant (4).
Genome position (GRCh38, 1-based): chr10:86,706,568, G>A. VCF-style: chr10-86706568-G-A. GRCh37 (hg19) VCF-style: chr10-88466325-G-A.
Other names: c.897-3337G>A (NM_001368064.1, NM_001368065.1); c.1101-3337G>A (NM_001171610.2); c.756-3337G>A (NM_001080114.2); c.793G>A, p.Ala265Thr (NM_001368066.1); short protein forms A265T, A312T.
Identifiers: ClinVar variation 2727995 (VCV002727995.3), dbSNP rs2492760946, ClinGen allele CA377446589.

ClinVar aggregate classification (germline): Uncertain significance (1 of 4 stars; one submission).

Conditions:
Myofibrillar myopathy 4. Also called: Zaspopathy (type). Identifiers: Orphanet 98912, MedGen C4721886, MONDO:0012277, OMIM 609452.

Submission:

Labcorp Genetics (formerly Invitae), Labcorp
Classification: Uncertain significance for Myofibrillar myopathy 4. Last evaluated: 2025-11-17. Review status: criteria provided, single submitter. Criteria: Invitae Variant Classification Sherloc (09022015). Collection method: clinical testing. Allele origin: germline.
Comment: The LDB3 gene has multiple clinically relevant transcripts. This variant occurs in alternate transcript NM_007078.3, and corresponds to NM_001080116.1:c.*7194G>A in the primary transcript. This sequence change replaces alanine, which is neutral and non-polar, with threonine, which is neutral and polar, at codon 312 of the LDB3 protein (p.Ala312Thr). This variant is not present in population databases (gnomAD no frequency). This variant has not been reported in the literature in individuals affected with LDB3-related conditions. Experimental studies and prediction algorithms are not available or were not evaluated, and the functional significance of this variant is currently unknown. In summary, the available evidence is currently insufficient to determine the role of this variant in disease. Therefore, it has been classified as a Variant of Uncertain Significance.